The following is an entry in ClinVar:

NM_001354604.2(MITF):c.1036A>T (p.Met346Leu)

Gene: MITF (melanocyte inducing transcription factor; plus strand). Cytogenetic location: 3p13.
Variant type: single nucleotide variant.
Coding change: c.1036A>T on transcript NM_001354604.2 (MANE Select); coding-DNA position 1036, A replaced by T.
Protein change: p.Met346Leu; replaces methionine 346 with leucine.
Molecular consequence: missense variant.
Genome position (GRCh38, 1-based): chr3:69,959,277, A>T. VCF-style: chr3-69959277-A-T. GRCh37 (hg19) VCF-style: chr3-70008428-A-T.
Other names: c.715A>T, p.Met239Leu (NM_000248.4); c.862A>T, p.Met288Leu (NM_001184967.2, NM_001354608.2); c.1033A>T, p.Met345Leu (NM_001354605.2); c.1015A>T, p.Met339Leu (NM_001354606.2, NM_006722.3); c.967A>T, p.Met323Leu (NM_001354607.2); c.697A>T, p.Met233Leu (NM_198158.3); c.1018A>T, p.Met340Leu (NM_198159.3); c.970A>T, p.Met324Leu (NM_198177.3); and 1 more; short protein forms M239L, M324L, M177L, M345L, M233L, M288L, M323L, M339L.
Identifiers: ClinVar variation 3873255 (VCV003873255.1).

ClinVar aggregate classification (germline): Uncertain significance (1 of 4 stars; one submission).

Conditions:
Hereditary cancer-predisposing syndrome. Also called: Tumor predisposition; Neoplastic Syndromes, Hereditary; Hereditary Cancer Syndrome; Hereditary neoplastic syndrome. Identifiers: Orphanet 140162, MedGen C0027672, MeSH D009386, MONDO:0015356.

Submission:

Ambry Genetics
Classification: Uncertain significance for Hereditary cancer-predisposing syndrome. Last evaluated: 2025-02-28. Review status: criteria provided, single submitter. Criteria: Ambry Variant Classification Scheme 2023. Collection method: clinical testing. Allele origin: germline.
Comment: The p.M239L variant (also known as c.715A>T), located in coding exon 8 of the MITF gene, results from an A to T substitution at nucleotide position 715. The methionine at codon 239 is replaced by leucine, an amino acid with highly similar properties. This amino acid position is conserved. In addition, this alteration is predicted to be deleterious by in silico analysis. Based on the available evidence, the clinical significance of this variant remains unclear.